The following is an entry in ClinVar:

NM_001371904.1(APOA5):c.168G>A (p.Leu56=)

Genes: APOA5 (apolipoprotein A5; minus strand), LOC108491825 (enhancer-blocking element 11-1-2 overlapping APOA5; plus strand). Cytogenetic location: 11q23.3.
Variant type: single nucleotide variant.
Coding change: c.168G>A on transcript NM_001371904.1 (MANE Select); coding-DNA position 168, G replaced by A.
Protein change: p.Leu56=; no amino-acid change (leucine 56 retained).
Molecular consequence: synonymous variant.
Genome position (GRCh38, 1-based): chr11:116,791,061, C>T on the plus strand (G>A on the coding strand, the complement: APOA5 is on the minus strand). VCF-style: chr11-116791061-C-T. GRCh37 (hg19) VCF-style: chr11-116661777-C-T.
Other names: c.168G>A, p.Leu56= (NM_001166598.2, NM_052968.5).
Identifiers: ClinVar variation 1187967 (VCV001187967.12), dbSNP rs147142271, ClinGen allele CA6289116.

ClinVar aggregate classification (germline): Likely benign. Review status: criteria provided, multiple submitters, no conflicts (2 of 4 stars). 5 submissions from 5 submitters: Likely benign (4). 1 of the submissions does not count toward it. Last evaluated 2026-09-21.

Conditions:
APOA5-related disorder. Also called: APOA5-related condition.
Cardiovascular phenotype. Identifiers: MedGen CN230736.

gnomAD v4.1: 780 of 1,610,360 alleles (0.048%); highest among the groups gnomAD compares: Non-Finnish European, 0.061%; no homozygotes.

Submissions (5):

Molecular Diagnostic Laboratory for Inherited Cardiovascular Disease, Montreal Heart Institute
Classification: Likely benign. Last evaluated: 2026-09-21. Review status: criteria provided, single submitter. Criteria: ACMG Guidelines, 2015. Collection method: clinical testing. Allele origin: germline. Affected: no.

Labcorp Genetics (formerly Invitae), Labcorp
Classification: Likely benign. Last evaluated: 2026-01-21. Review status: criteria provided, single submitter. Criteria: Invitae Variant Classification Sherloc (09022015). Collection method: clinical testing. Allele origin: germline.

Ambry Genetics
Classification: Likely benign for Cardiovascular phenotype. Last evaluated: 2022-04-21. Review status: criteria provided, single submitter. Criteria: Ambry Variant Classification Scheme 2023. Collection method: clinical testing. Allele origin: germline.

GeneDx
Classification: Likely benign. Last evaluated: 2019-12-24. Review status: criteria provided, single submitter. Criteria: GeneDx Variant Classification Process June 2021. Collection method: clinical testing. Allele origin: germline. Affected: yes.

PreventionGenetics, part of Exact Sciences
Classification: Likely benign for APOA5-related condition. Last evaluated: 2023-11-08. Review status: no assertion criteria provided. Collection method: clinical testing. Allele origin: germline. Not counted in ClinVar's aggregate classification.
Comment: This variant is classified as likely benign based on ACMG/AMP sequence variant interpretation guidelines (Richards et al. 2015 PMID: 25741868, with internal and published modifications).